The following is an entry in ClinVar:

ClinVar aggregate classification (germline): Benign. Review status: criteria provided, multiple submitters, no conflicts (2 of 4 stars). 3 submissions from 2 submitters: Benign (3). Last evaluated 2018-01-12.

Conditions:
Tietz syndrome (TADS). Also called: ALBINISM-DEAFNESS OF TIETZ; HYPOPIGMENTATION/DEAFNESS OF TIETZ; TIETZ ALBINISM-DEAFNESS SYNDROME. Identifiers: Orphanet 42665, MedGen C0391816, MONDO:0007077, OMIM 103500.
Waardenburg syndrome type 2A (WS2A). Also called: WAARDENBURG SYNDROME WITHOUT DYSTOPIA CANTHORUM. Identifiers: Orphanet 3440, MedGen C1860339, MONDO:0008671, OMIM 193510.

Allele frequency attached by ClinVar (database versions not stated): gnomAD exomes 0.28027; gnomAD 0.29266 and 0.29291; 1000 Genomes Project 0.29533; TOPMed 0.29644; 1000 Genomes Project 30x 0.29716.
gnomAD v4.1: 66,831 of 232,652 alleles (29%); highest among the groups gnomAD compares: African/African-American, 35%; 9,803 homozygotes.

Submissions (3):

Illumina Laboratory Services, Illumina
Classification: Benign for Waardenburg syndrome type 2A. Last evaluated: 2018-01-12. Review status: criteria provided, single submitter. Criteria: ICSL Variant Classification Criteria 13 December 2019. Collection method: clinical testing. Allele origin: germline.
Comment: This variant was observed in the ICSL laboratory as part of a predisposition screen in an ostensibly healthy population. It had not been previously curated by ICSL or reported in the Human Gene Mutation Database (HGMD: prior to June 1st, 2018), and was therefore a candidate for classification through an automated scoring system. Utilizing variant allele frequency, disease prevalence and penetrance estimates, and inheritance mode, an automated score was calculated to assess if this variant is too frequent to cause the disease. Based on the score and internal cut-off values, a variant classified as benign is not then subjected to further curation. The score for this variant resulted in a classification of benign for this disease.

Illumina Laboratory Services, Illumina
Classification: Benign for Tietz syndrome. Last evaluated: 2018-01-12. Review status: criteria provided, single submitter. Criteria: ICSL Variant Classification Criteria 13 December 2019. Collection method: clinical testing. Allele origin: germline.
Comment: the same text as in the submission from Illumina Laboratory Services, Illumina above.

Breakthrough Genomics
Classification: Benign. Review status: criteria provided, single submitter. Criteria: ACMG Guidelines, 2015. Collection method: not provided. Allele origin: germline. Inheritance: Autosomal recessive inheritance. Affected: yes.

NM_001354604.2(MITF):c.*2505C>T

Gene: MITF (melanocyte inducing transcription factor; plus strand). Cytogenetic location: 3p13.
Variant type: single nucleotide variant.
Coding change: c.*2505C>T on transcript NM_001354604.2 (MANE Select); 2505 bases downstream of the stop codon, C replaced by T.
Molecular consequence: 3 prime UTR variant.
Genome position (GRCh38, 1-based): chr3:69,967,753, C>T. VCF-style: chr3-69967753-C-T. GRCh37 (hg19) VCF-style: chr3-70016904-C-T.
Other names: c.*2505C>T (NM_000248.4, NM_001184967.2, NM_001354605.2 and 8 more transcripts).
Identifiers: ClinVar variation 346538 (VCV000346538.6), dbSNP rs704246, ClinGen allele CA10616597.
Genomic context (GRCh38, chr3:69,967,753, plus strand): 5'-TGCAATCTTGGGGGTGGTTTTATTTATTTCTTTTTTGCCAAATAGAGTGTGGATTCATTT[C>T]AGGGGCTAGCTAAGCCAAGAGGCAGTGGTTTGGGCTTGTTGTTTGTAACAAGAAAATGAT-3'